The following is an entry in ClinVar:

ClinVar aggregate classification (germline): Uncertain significance. Review status: criteria provided, multiple submitters, no conflicts (2 of 4 stars). 3 submissions from 3 submitters: Uncertain significance (3). Last evaluated 2026-07-27.

Conditions:
ABCB11-related disorder. Also called: ABCB11-related condition.
Inborn genetic diseases. Identifiers: MedGen C0950123, MeSH D030342.

Allele frequency attached by ClinVar (database versions not stated): gnomAD 0.00003 and 0.00004; TOPMed 0.00003; ESP Exome Variant Server 0.00008.
gnomAD v4.1: 6 of 1,613,666 alleles (0.00037%); highest among the groups gnomAD compares: African/African-American, 0.0067%; no homozygotes.

Submissions (3):

PreventionGenetics, part of Exact Sciences
Classification: Uncertain significance for ABCB11-related condition. Last evaluated: 2026-07-27. Review status: criteria provided, single submitter. Criteria: ACMG Guidelines, 2015. Collection method: clinical testing. Allele origin: germline.
Comment: The ABCB11 c.3706G>T variant is predicted to result in the amino acid substitution p.Asp1236Tyr. To our knowledge, this variant has not been reported in the literature. This variant is reported in 0.023% of alleles in individuals of African descent in gnomAD. At this time, the clinical significance of this variant is uncertain due to the absence of conclusive functional and genetic evidence.

Ambry Genetics
Classification: Uncertain significance for Inborn genetic diseases. Last evaluated: 2024-09-20. Review status: criteria provided, single submitter. Criteria: Ambry Variant Classification Scheme 2023. Collection method: clinical testing. Allele origin: germline.

Eurofins Ntd Llc (ga)
Classification: Uncertain significance. Last evaluated: 2018-08-10. Review status: criteria provided, single submitter. Criteria: EGL ClinVar v180209 classification definitions. Collection method: clinical testing. Allele origin: germline. Observed: 1 variant allele, 1 heterozygote.

NM_003742.4(ABCB11):c.3706G>T (p.Asp1236Tyr)

Gene: ABCB11 (ATP binding cassette subfamily B member 11; minus strand). Cytogenetic location: 2q31.1.
Variant type: single nucleotide variant.
Coding change: c.3706G>T on transcript NM_003742.4 (MANE Select); coding-DNA position 3706, G replaced by T.
Protein change: p.Asp1236Tyr; replaces aspartic acid 1236 with tyrosine.
Molecular consequence: missense variant.
Genome position (GRCh38, 1-based): chr2:168,924,716, C>A on the plus strand (G>T on the coding strand, the complement: ABCB11 is on the minus strand). VCF-style: chr2-168924716-C-A. GRCh37 (hg19) VCF-style: chr2-169781226-C-A.
Other names: c.3706G>T (NM_003742.2); c.3706G>T, p.Asp1236Tyr (LRG_1199t1); short protein forms D1236Y.
Identifiers: ClinVar variation 598354 (VCV000598354.7), dbSNP rs377426819, ClinGen allele CA59868442.